The following is an entry in ClinVar:

NM_004064.5(CDKN1B):c.266A>C (p.Tyr89Ser)

Gene: CDKN1B (cyclin dependent kinase inhibitor 1B; plus strand). Cytogenetic location: 12p13.1.
Variant type: single nucleotide variant.
Coding change: c.266A>C on transcript NM_004064.5 (MANE Select); coding-DNA position 266, A replaced by C.
Protein change: p.Tyr89Ser; replaces tyrosine 89 with serine.
Molecular consequence: missense variant.
Genome position (GRCh38, 1-based): chr12:12,718,105, A>C. VCF-style: chr12-12718105-A-C. GRCh37 (hg19) VCF-style: chr12-12871039-A-C.
Other names: short protein forms Y89S.
Identifiers: ClinVar variation 4224750 (VCV004224750.1).

ClinVar aggregate classification (germline): Uncertain significance (1 of 4 stars; one submission).

Conditions:
Hereditary cancer-predisposing syndrome. Also called: Hereditary Cancer Syndrome; Hereditary neoplastic syndrome; Neoplastic Syndromes, Hereditary; Tumor predisposition. Identifiers: Orphanet 140162, MedGen C0027672, MeSH D009386, MONDO:0015356.

Submission:

Ambry Genetics
Classification: Uncertain significance for Hereditary cancer-predisposing syndrome. Last evaluated: 2025-07-18. Review status: criteria provided, single submitter. Criteria: Ambry Variant Classification Scheme 2023. Collection method: clinical testing. Allele origin: germline.
Comment: The p.Y89S variant (also known as c.266A>C), located in coding exon 1 of the CDKN1B gene, results from an A to C substitution at nucleotide position 266. The tyrosine at codon 89 is replaced by serine, an amino acid with dissimilar properties. This amino acid position is conserved. In addition, this alteration is predicted to be tolerated by in silico analysis. Based on the available evidence, the clinical significance of this variant remains unclear.